The following is an entry in ClinVar:

ClinVar aggregate classification (germline): Likely benign (1 of 4 stars; one submission).

Allele frequency attached by ClinVar (database versions not stated): ESP Exome Variant Server 0.00025; TOPMed 0.00027; gnomAD 0.00033; gnomAD exomes 0.00067; 1000 Genomes Project 30x 0.00125; 1000 Genomes Project 0.00140.
gnomAD v4.1: 1,022 of 1,613,696 alleles (0.063%); highest among the groups gnomAD compares: South Asian, 0.74%; 16 homozygotes.

Submission:

CeGaT Center for Human Genetics Tuebingen
Classification: Likely benign. Last evaluated: 2022-10-01. Review status: criteria provided, single submitter. Criteria: CeGaT Center For Human Genetics Tuebingen Variant Classification Criteria Version 2. Collection method: clinical testing. Allele origin: germline. Affected: yes. Observed: 1 variant allele.
Comment: RHBDD2: BP4, BP7

NM_001040456.3(RHBDD2):c.1008G>A (p.Val336=)

Gene: RHBDD2 (rhomboid domain containing 2; plus strand). Cytogenetic location: 7q11.23.
Variant type: single nucleotide variant.
Coding change: c.1008G>A on transcript NM_001040456.3 (MANE Select); coding-DNA position 1008, G replaced by A.
Protein change: p.Val336=; no amino-acid change (valine 336 retained).
Molecular consequence: synonymous variant. On other transcripts: non-coding transcript variant (2).
Genome position (GRCh38, 1-based): chr7:75,888,262, G>A. VCF-style: chr7-75888262-G-A. GRCh37 (hg19) VCF-style: chr7-75517580-G-A.
Other names: c.585G>A, p.Val195= (NM_001040457.3, NM_001346186.2, NM_001346187.2); c.600G>A, p.Val200= (NM_001346188.2); c.564G>A, p.Val188= (NM_001346189.2).
Identifiers: ClinVar variation 2657616 (VCV002657616.24), dbSNP rs372147983, ClinGen allele CA4303338.
Genomic context (GRCh38, chr7:75,888,262, plus strand): 5'-CTCCAGTGTCTACCCAGCTTCTGCGGGCACCTCCCTGGGCATCCAGCCCCCCACGCCTGT[G>A]AACAGCCCTGGCACGGTGTATTCTGGGGCCTTGGGCACACCAGGGGCTGCAGGCTCCAAG-3'
Protein context (NP_001035546.1, residues 326-346): TSLGIQPPTP[Val336=]NSPGTVYSGA